The following is an entry in ClinVar:

NM_000077.5(CDKN2A):c.407del (p.Gly136fs)

Gene: CDKN2A (cyclin dependent kinase inhibitor 2A; minus strand). Cytogenetic location: 9p21.3.
Variant type: Deletion.
Coding change: c.407del on transcript NM_000077.5; coding-DNA position 407, one base deleted (G; older notation c.407delG).
Protein change: p.Gly136fs; shifts the reading frame from glycine 136.
Molecular consequence: frameshift variant (on NM_000077.4). On other transcripts: 3 prime UTR variant (2).
Genome position (GRCh38, 1-based): chr9:21,970,952, C deleted on the plus strand (G on the coding strand, the reverse complement: CDKN2A is on the minus strand); the first of 6 consecutive C bases (chr9:21,970,952-21,970,957); deleting any one gives the same sequence. VCF-style (leftmost placement, unchanged base first): chr9-21970951-GC-G. GRCh37 (hg19) VCF-style: chr9-21970950-GC-G.
Other names: c.407delG (NM_000077.4); c.402delG, p.Gly136Alafs (NM_000077.4, NM_000077.6); c.407del, p.Gly136fs (NM_001195132.2); c.254del, p.Gly85fs (NM_001363763.2); c.*51del (NM_058195.4); c.*330del (NM_058197.5); short protein forms G136fs, G85fs.
Identifiers: ClinVar variation 824571 (VCV000824571.16), dbSNP rs749588877, ClinGen allele CA913188272.

ClinVar aggregate classification (germline): Uncertain significance. Review status: criteria provided, multiple submitters, no conflicts (2 of 4 stars). 3 submissions from 3 submitters: Uncertain significance (3). Last evaluated 2020-04-17.

Conditions:
Hereditary cancer-predisposing syndrome. Also called: Neoplastic Syndromes, Hereditary; Tumor predisposition; Hereditary Cancer Syndrome; Hereditary neoplastic syndrome. Identifiers: Orphanet 140162, MedGen C0027672, MeSH D009386, MONDO:0015356.
Familial melanoma. Also called: Hereditary melanoma; Hereditary cutaneous melanoma. Identifiers: Orphanet 618, MedGen C1512419, MONDO:0018961.

Submissions (3):

Color Diagnostics, LLC DBA Color Health
Classification: Uncertain significance for Hereditary cancer-predisposing syndrome. Last evaluated: 2020-04-17. Review status: criteria provided, single submitter. Criteria: ACMG Guidelines, 2015. Collection method: clinical testing. Allele origin: germline.
Comment: This variant deletes 1 nucleotide in exon 2 of the CDKN2A (p16INK4A) gene, creating a frameshift and premature translation stop signal. This variant is not expected to trigger nonsense-mediated decay, and it is predicted to truncate the C-terminus of the ankyrin repeat domain. Truncation variants that delete the ankyrin repeat domain and are reported as disease-causing in ClinVar all impact conserved motifs in the ankyrin repeat (ClinVar variation ID: 216035, 406710, 463500, 463503, 573002). However, this variant truncates the protein after the last conserved motif (PMID: 8880901, 12519945). To our knowledge, functional studies have not been performed for this variant nor has this variant been reported in individuals affected with hereditary cancer in the literature. This variant has not been identified in the general population by the Genome Aggregation Database (gnomAD). Loss of CDKN2A function is a known mechanism of disease. The available evidence is insufficient to determine the role of this variant in disease conclusively. Therefore, this variant is classified as a Variant of Uncertain Significance.

Labcorp Genetics (formerly Invitae), Labcorp
Classification: Uncertain significance for Familial melanoma. Last evaluated: 2020-03-09. Review status: criteria provided, single submitter. Criteria: Invitae Variant Classification Sherloc (09022015). Collection method: clinical testing. Allele origin: germline.
Comment: In summary, the available evidence is currently insufficient to determine the role of this variant in disease. Therefore, it has been classified as a Variant of Uncertain Significance. Experimental studies and prediction algorithms are not available or were not evaluated, and the functional significance of this variant is currently unknown. This variant has not been reported in the literature in individuals with CDKN2A (p16INK4a)-related conditions. This variant is not present in population databases (ExAC no frequency). This sequence change results in a premature translational stop signal in the CDKN2A (p16INK4a) gene (p.Gly136Alafs*10). While this is not anticipated to result in nonsense mediated decay, it is expected to disrupt the last 21 amino acids of the CDKN2A (p16INK4a) protein.

Ambry Genetics
Classification: Uncertain significance for Hereditary cancer-predisposing syndrome. Last evaluated: 2018-11-24. Review status: criteria provided, single submitter. Criteria: Ambry Variant Classification Scheme 2023. Collection method: clinical testing. Allele origin: germline.
Comment: The c.407delG variant, located in coding exon 2 of the CDKN2A gene, results from a deletion of one nucleotide at nucleotide position 407, causing a translational frameshift with a predicted alternate stop codon (p.G136Afs*10). Frameshifts are typically deleterious in nature, however, this frameshift occurs at the 3' terminus of CDKN2A, is not expected to trigger nonsense-mediated mRNA decay, and impacts only the last 21 amino acids of the protein. The exact functional impact of these altered amino acids is unknown at this time. Since supporting evidence is limited at this time, the clinical significance of this alteration remains unclear.